The following is an entry in ClinVar:

ClinVar aggregate classification (germline): Uncertain significance (1 of 4 stars; one submission).

Conditions:
Cystic fibrosis (CF). Also called: MUCOVISCIDOSIS. Identifiers: Orphanet 586, MedGen C0010674, MONDO:0009061, OMIM 219700. Disease mechanism: loss of function.

Allele frequency attached by ClinVar (database versions not stated): gnomAD 0.00001; TOPMed 0.00001.
gnomAD v4.1: 2 of 1,613,972 alleles (0.00012%); highest among the groups gnomAD compares: Admixed American, 0.0017%; no homozygotes.

Submission:

Ambry Genetics
Classification: Uncertain significance for Cystic fibrosis. Last evaluated: 2025-06-08. Review status: criteria provided, single submitter. Criteria: Ambry Variant Classification Scheme 2023. Collection method: clinical testing. Allele origin: germline.
Comment: The p.F354L variant (also known as c.1060T>C), located in coding exon 8 of the CFTR gene, results from a T to C substitution at nucleotide position 1060. The phenylalanine at codon 354 is replaced by leucine, an amino acid with highly similar properties. This amino acid position is well conserved in available vertebrate species. In silico splice site analysis predicts that this alteration will not have any significant effect on splicing. In addition, the in silico prediction for this alteration is inconclusive. Since supporting evidence is limited at this time, the clinical significance of this alteration remains unclear.

NM_000492.4(CFTR):c.1060T>C (p.Phe354Leu)

Gene: CFTR (CF transmembrane conductance regulator; plus strand). Cytogenetic location: 7q31.2.
Variant type: single nucleotide variant.
Coding change: c.1060T>C on transcript NM_000492.4 (MANE Select); coding-DNA position 1060, T replaced by C.
Protein change: p.Phe354Leu; replaces phenylalanine 354 with leucine.
Molecular consequence: missense variant.
Genome position (GRCh38, 1-based): chr7:117,540,290, T>C. VCF-style: chr7-117540290-T-C. GRCh37 (hg19) VCF-style: chr7-117180344-T-C.
Other names: short protein forms F354L.
Identifiers: ClinVar variation 1780222 (VCV001780222.3), dbSNP rs1799031564, ClinGen allele CA368978927.